The following is an entry in ClinVar:

ClinVar aggregate classification (germline): Uncertain significance (1 of 4 stars; one submission).

Allele frequency attached by ClinVar (database versions not stated): ExAC 0.00001; gnomAD 0.00001.
gnomAD v4.1: 3 of 1,609,642 alleles (0.00019%); highest among the groups gnomAD compares: Non-Finnish European, 0.00025%; no homozygotes.

Submission:

Labcorp Genetics (formerly Invitae), Labcorp
Classification: Uncertain significance. Last evaluated: 2021-08-27. Review status: criteria provided, single submitter. Criteria: Invitae Variant Classification Sherloc (09022015). Collection method: clinical testing. Allele origin: germline.
Comment: This sequence change replaces histidine with glutamine at codon 1601 of the CDH23 protein (p.His1601Gln). The histidine residue is highly conserved and there is a small physicochemical difference between histidine and glutamine. This variant is present in population databases (rs746321294, ExAC 0.002%). This variant has not been reported in the literature in individuals affected with CDH23-related conditions. Algorithms developed to predict the effect of missense changes on protein structure and function are either unavailable or do not agree on the potential impact of this missense change (SIFT: "Tolerated"; PolyPhen-2: "Not Available"; Align-GVGD: "Class C0"). In summary, the available evidence is currently insufficient to determine the role of this variant in disease. Therefore, it has been classified as a Variant of Uncertain Significance.

NM_022124.6(CDH23):c.4803C>A (p.His1601Gln)

Gene: CDH23 (cadherin related 23; plus strand). Cytogenetic location: 10q22.1.
Variant type: single nucleotide variant.
Coding change: c.4803C>A on transcript NM_022124.6 (MANE Select); coding-DNA position 4803, C replaced by A.
Protein change: p.His1601Gln; replaces histidine 1601 with glutamine.
Molecular consequence: missense variant.
Genome position (GRCh38, 1-based): chr10:71,741,879, C>A. VCF-style: chr10-71741879-C-A. GRCh37 (hg19) VCF-style: chr10-73501636-C-A.
Other names: short protein forms H1601Q.
Identifiers: ClinVar variation 1939480 (VCV001939480.2), dbSNP rs746321294, ClinGen allele CA5545155.